The following is an entry in ClinVar:

NM_001376.5(DYNC1H1):c.8630T>G (p.Leu2877Arg)

Gene: DYNC1H1 (dynein cytoplasmic 1 heavy chain 1; plus strand). Cytogenetic location: 14q32.31.
Variant type: single nucleotide variant.
Coding change: c.8630T>G on transcript NM_001376.5 (MANE Select); coding-DNA position 8630, T replaced by G.
Protein change: p.Leu2877Arg; replaces leucine 2877 with arginine.
Molecular consequence: missense variant.
Genome position (GRCh38, 1-based): chr14:102,022,873, T>G. VCF-style: chr14-102022873-T-G. GRCh37 (hg19) VCF-style: chr14-102489210-T-G.
Other names: short protein forms L2877R.
Identifiers: ClinVar variation 2832799 (VCV002832799.3), dbSNP rs2503789819, ClinGen allele CA391007272.

ClinVar aggregate classification (germline): Uncertain significance (1 of 4 stars; one submission).

Conditions:
Charcot-Marie-Tooth disease axonal type 2O. Also called: Charcot-Marie-Tooth disease, axonal, type 20; CHARCOT-MARIE-TOOTH NEUROPATHY, AXONAL, TYPE 2O; CHARCOT-MARIE-TOOTH DISEASE, AXONAL, AUTOSOMAL DOMINANT, TYPE 2O; Charcot-Marie-Tooth Neuropathy Type 2O. Identifiers: Orphanet 284232, MedGen C3280220, MONDO:0013644, OMIM 614228.

Submission:

Labcorp Genetics (formerly Invitae), Labcorp
Classification: Uncertain significance for Charcot-Marie-Tooth disease axonal type 2O. Last evaluated: 2023-02-27. Review status: criteria provided, single submitter. Criteria: Invitae Variant Classification Sherloc (09022015). Collection method: clinical testing. Allele origin: germline.
Comment: Advanced modeling of protein sequence and biophysical properties (such as structural, functional, and spatial information, amino acid conservation, physicochemical variation, residue mobility, and thermodynamic stability) performed at Invitae indicates that this missense variant is expected to disrupt DYNC1H1 protein function. This sequence change replaces leucine, which is neutral and non-polar, with arginine, which is basic and polar, at codon 2877 of the DYNC1H1 protein (p.Leu2877Arg). This variant is not present in population databases (gnomAD no frequency). This variant has not been reported in the literature in individuals affected with DYNC1H1-related conditions. In summary, the available evidence is currently insufficient to determine the role of this variant in disease. Therefore, it has been classified as a Variant of Uncertain Significance.